The following is an entry in ClinVar:

NM_016599.5(MYOZ2):c.745A>G (p.Thr249Ala)

Gene: MYOZ2 (myozenin 2; plus strand). Cytogenetic location: 4q26.
Variant type: single nucleotide variant.
Coding change: c.745A>G on transcript NM_016599.5 (MANE Select); coding-DNA position 745, A replaced by G.
Protein change: p.Thr249Ala; replaces threonine 249 with alanine.
Molecular consequence: missense variant.
Genome position (GRCh38, 1-based): chr4:119,186,150, A>G. VCF-style: chr4-119186150-A-G. GRCh37 (hg19) VCF-style: chr4-120107305-A-G.
Other names: short protein forms T249A.
Identifiers: ClinVar variation 454464 (VCV000454464.17), dbSNP rs762234986, ClinGen allele CA3058700.
Genomic context (GRCh38, chr4:119,186,150, plus strand): 5'-AGACGGTCCTTTAATAGGACTCCTAAGGGATGGATATCTGAGAATATTCCTATAGTGATA[A>G]CAACCGAACCTACAGATGATACCACTGTACCAGAATCAGAAGACCTATGAAAAGAAAGTT-3'
Protein context (NP_057683.1, residues 239-259): WISENIPIVI[Thr249Ala]TEPTDDTTVP

ClinVar aggregate classification (germline): Conflicting classifications of pathogenicity. Review status: criteria provided, conflicting classifications (1 of 4 stars). 5 submissions from 5 submitters: Uncertain significance (4); Likely benign (1). Last evaluated 2026-06-10.

Conditions:
MYOZ2-related disorder. Also called: MYOZ2-related condition.
Cardiovascular phenotype. Identifiers: MedGen CN230736.
Hypertrophic cardiomyopathy 16. Identifiers: MedGen C3151204, MONDO:0013455, OMIM 613838.
Hypertrophic cardiomyopathy. Also called: HYPERTROPHIC MYOCARDIOPATHY. Identifiers: Orphanet 217569, MedGen C0007194, MeSH D002312, MONDO:0005045, HP:0001639.

Allele frequency attached by ClinVar (database versions not stated): ExAC 0.00001; gnomAD exomes 0.00002; gnomAD 0.00005 and 0.00006; TOPMed 0.00006.
gnomAD v4.1: 41 of 1,613,910 alleles (0.0025%); highest among the groups gnomAD compares: Admixed American, 0.01%; no homozygotes.

Submissions (5):

Ambry Genetics
Classification: Likely benign for Cardiovascular phenotype. Last evaluated: 2026-06-10. Review status: criteria provided, single submitter. Criteria: Ambry Variant Classification Scheme 2023. Collection method: clinical testing. Allele origin: germline.

PreventionGenetics, part of Exact Sciences
Classification: Uncertain significance for MYOZ2-related condition. Last evaluated: 2026-02-25. Review status: criteria provided, single submitter. Criteria: ACMG Guidelines, 2015. Collection method: clinical testing. Allele origin: germline.
Comment: The MYOZ2 c.745A>G variant is predicted to result in the amino acid substitution p.Thr249Ala. To our knowledge, this variant has not been reported in the literature. This variant is reported in 0.0087% of alleles in individuals of Latino descent in gnomAD. At this time, the clinical significance of this variant is uncertain due to the absence of conclusive functional and genetic evidence.

Labcorp Genetics (formerly Invitae), Labcorp
Classification: Uncertain significance for Hypertrophic cardiomyopathy. Last evaluated: 2025-12-03. Review status: criteria provided, single submitter. Criteria: Invitae Variant Classification Sherloc (09022015). Collection method: clinical testing. Allele origin: germline.
Comment: This sequence change replaces threonine, which is neutral and polar, with alanine, which is neutral and non-polar, at codon 249 of the MYOZ2 protein (p.Thr249Ala). This variant is present in population databases (rs762234986, gnomAD 0.009%). This variant has not been reported in the literature in individuals affected with MYOZ2-related conditions. ClinVar contains an entry for this variant (Variation ID: 454464). Experimental studies and prediction algorithms are not available or were not evaluated, and the functional significance of this variant is currently unknown. In summary, the available evidence is currently insufficient to determine the role of this variant in disease. Therefore, it has been classified as a Variant of Uncertain Significance.

Fulgent Genetics
Classification: Uncertain significance for Hypertrophic cardiomyopathy 16. Last evaluated: 2021-11-01. Review status: criteria provided, single submitter. Criteria: ACMG Guidelines, 2015. Collection method: clinical testing. Allele origin: unknown.

Mayo Clinic Laboratories, Mayo Clinic
Classification: Uncertain significance. Last evaluated: 2020-06-24. Review status: criteria provided, single submitter. Criteria: ACMG Guidelines, 2015. Collection method: clinical testing. Allele origin: germline. Observed: 1 variant allele.